The following is an entry in ClinVar:

ClinVar aggregate classification (germline): Pathogenic (1 of 4 stars; one submission).

Submission:

Labcorp Genetics (formerly Invitae), Labcorp
Classification: Pathogenic. Last evaluated: 2025-02-18. Review status: criteria provided, single submitter. Criteria: Invitae Variant Classification Sherloc (09022015). Collection method: clinical testing. Allele origin: germline.
Comment: This sequence change creates a premature translational stop signal (p.Leu421Profs*27) in the LMF1 gene. It is expected to result in an absent or disrupted protein product. Loss-of-function variants in LMF1 are known to be pathogenic (PMID: 17994020, 19820022, 22239554). This variant is not present in population databases (gnomAD no frequency). This variant has not been reported in the literature in individuals affected with LMF1-related conditions. For these reasons, this variant has been classified as Pathogenic.

Literature cited by the submitters: PubMed 17994020; PubMed 19820022; PubMed 22239554.

NM_022773.4(LMF1):c.1261dup (p.Leu421fs)

Gene: LMF1 (lipase maturation factor 1; minus strand). Cytogenetic location: 16p13.3.
Variant type: Duplication.
Coding change: c.1261dup on transcript NM_022773.4 (MANE Select); coding-DNA position 1261, one base duplicated (C; older notation c.1261dupC).
Protein change: p.Leu421fs; shifts the reading frame from leucine 421.
Molecular consequence: frameshift variant. On other transcripts: non-coding transcript variant (1).
Genome position (GRCh38, 1-based): chr16:870,038, G duplicated on the plus strand (C on the coding strand, the reverse complement: LMF1 is on the minus strand); the first of 2 consecutive G bases (chr16:870,038-870,039); duplicating either gives the same sequence. VCF-style (leftmost placement, unchanged base first): chr16-870037-A-AG. GRCh37 (hg19) VCF-style: chr16-920037-A-AG.
Other names: c.610dup, p.Leu204fs (NM_001352017.2, NM_001352021.2); c.862dup, p.Leu288fs (NM_001352018.2); c.934dup, p.Leu312fs (NM_001352019.2); c.1261dup, p.Leu421fs (NM_001352020.1); short protein forms L312fs, L204fs, L288fs, L421fs.
Identifiers: ClinVar variation 4703175 (VCV004703175.1).